The following is an entry in ClinVar:

ClinVar aggregate classification (germline): Uncertain significance (1 of 4 stars; one submission).

Conditions:
Epidermolysis bullosa simplex with nail dystrophy (EBS5D). Identifiers: MedGen C4225309, MONDO:0014661, OMIM 616487.
Epidermolysis bullosa simplex, Ogna type (EBS5A). Also called: Pidermolysis bullosa simplex 5A, Ogna type; EPIDERMOLYSIS BULLOSA SIMPLEX 5A, OGNA TYPE. Identifiers: Orphanet 79401, MedGen C0432317, MONDO:0007555, OMIM 131950.
Autosomal recessive limb-girdle muscular dystrophy type 2Q (LGMDR17). Also called: MUSCULAR DYSTROPHY, LIMB-GIRDLE, AUTOSOMAL RECESSIVE 17. Identifiers: Orphanet 254361, MedGen C3150989, MONDO:0013390, OMIM 613723.
Epidermolysis bullosa simplex 5B, with muscular dystrophy (EBS5B). Also called: EPIDERMOLYSIS BULLOSA SIMPLEX AND LIMB-GIRDLE MUSCULAR DYSTROPHY; Epidermolysis bullosa simplex with muscular dystrophy. Identifiers: Orphanet 257, MedGen C2931072, MONDO:0009181, OMIM 226670.
Epidermolysis bullosa simplex 5C, with pyloric atresia (EBS5C). Also called: PLEC-Related Epidermolysis Bullosa with Pyloric Atresia; Epidermolysis bullosa simplex with pyloric atresia; PLEC1-Related Epidermolysis Bullosa with Pyloric Atresia. Identifiers: Orphanet 158684, MedGen C2677349, MONDO:0012807, OMIM 612138.

Submission:

Labcorp Genetics (formerly Invitae), Labcorp
Classification: Uncertain significance for Autosomal recessive limb-girdle muscular dystrophy type 2Q; Epidermolysis bullosa simplex, Ogna type; Epidermolysis bullosa simplex with nail dystrophy; Epidermolysis bullosa simplex 5C, with pyloric atresia; Epidermolysis bullosa simplex 5B, with muscular dystrophy. Last evaluated: 2023-02-13. Review status: criteria provided, single submitter. Criteria: Invitae Variant Classification Sherloc (09022015). Collection method: clinical testing. Allele origin: germline.
Comment: This variant has not been reported in the literature in individuals affected with PLEC-related conditions. This sequence change replaces valine, which is neutral and non-polar, with glycine, which is neutral and non-polar, at codon 3558 of the PLEC protein (p.Val3558Gly). This variant is not present in population databases (gnomAD no frequency). Advanced modeling of protein sequence and biophysical properties (such as structural, functional, and spatial information, amino acid conservation, physicochemical variation, residue mobility, and thermodynamic stability) performed at Invitae indicates that this missense variant is not expected to disrupt PLEC protein function. In summary, the available evidence is currently insufficient to determine the role of this variant in disease. Therefore, it has been classified as a Variant of Uncertain Significance.

NM_201384.3(PLEC):c.10592T>G (p.Val3531Gly)

Gene: PLEC (plectin; minus strand). Cytogenetic location: 8q24.3.
Variant type: single nucleotide variant.
Coding change: c.10592T>G on transcript NM_201384.3 (MANE Select); coding-DNA position 10592, T replaced by G.
Protein change: p.Val3531Gly; replaces valine 3531 with glycine.
Molecular consequence: missense variant.
Genome position (GRCh38, 1-based): chr8:143,919,229, A>C on the plus strand (T>G on the coding strand, the complement: PLEC is on the minus strand). VCF-style: chr8-143919229-A-C. GRCh37 (hg19) VCF-style: chr8-144993397-A-C.
Other names: c.10673T>G, p.Val3558Gly (NM_000445.5); c.7292T>G, p.Val2431Gly (NM_001410941.1); c.10550T>G, p.Val3517Gly (NM_201378.4); c.10526T>G, p.Val3509Gly (NM_201379.3); c.11003T>G, p.Val3668Gly (NM_201380.4); c.10496T>G, p.Val3499Gly (NM_201381.3); c.10592T>G, p.Val3531Gly (NM_201382.4); c.10604T>G, p.Val3535Gly (NM_201383.3); short protein forms V2431G, V3558G, V3531G, V3509G, V3517G, V3499G, V3535G, V3668G.
Identifiers: ClinVar variation 2943979 (VCV002943979.3), dbSNP rs1342724954, ClinGen allele CA372497460.